The following is an entry in ClinVar:

ClinVar aggregate classification (germline): Uncertain significance. Review status: criteria provided, multiple submitters, no conflicts (2 of 4 stars). 3 submissions from 3 submitters: Uncertain significance (3). Last evaluated 2025-02-05.

Conditions:
Autosomal recessive limb-girdle muscular dystrophy type 2N. Also called: MUSCULAR DYSTROPHY-DYSTROGLYCANOPATHY, LIMB-GIRDLE, POMT2-RELATED; Muscular dystrophy-dystroglycanopathy (limb-girdle), type C, 2. Identifiers: Orphanet 206559, MedGen C3150418, MONDO:0013162, OMIM 613158.
Muscular dystrophy-dystroglycanopathy (congenital with brain and eye anomalies), type A2. Also called: MUSCULAR DYSTROPHY-DYSTROGLYCANOPATHY (CONGENITAL WITH BRAIN AND EYE ANOMALIES), TYPE A, 2; WALKER-WARBURG SYNDROME OR MUSCLE-EYE-BRAIN DISEASE, POMT2-RELATED. Identifiers: Orphanet 588, Orphanet 899, MedGen C3150411, MONDO:0013154, OMIM 613150.
Muscular dystrophy-dystroglycanopathy (congenital with impaired intellectual development), type B, 2. Also called: MUSCULAR DYSTROPHY, CONGENITAL, POMT2-RELATED; Muscular dystrophy-dystroglycanopathy (congenital with intellectual disability), type B2. Identifiers: MedGen C3150416, MONDO:0013160, OMIM 613156.

Allele frequency attached by ClinVar (database versions not stated): TOPMed below 0.00001.

Submissions (3):

Greenwood Genetic Center Diagnostic Laboratories, Greenwood Genetic Center
Classification: Uncertain significance. Last evaluated: 2025-02-05. Review status: criteria provided, single submitter. Criteria: ACMG Guidelines, 2015. Collection method: clinical testing. Allele origin: germline.
Comment: PM2, PM3_Supporting

Labcorp Genetics (formerly Invitae), Labcorp
Classification: Uncertain significance for Muscular dystrophy-dystroglycanopathy (congenital with impaired intellectual development), type B, 2; Muscular dystrophy-dystroglycanopathy (congenital with brain and eye anomalies), type A2; Autosomal recessive limb-girdle muscular dystrophy type 2N. Last evaluated: 2024-04-01. Review status: criteria provided, single submitter. Criteria: Invitae Variant Classification Sherloc (09022015). Collection method: clinical testing. Allele origin: germline.
Comment: This sequence change replaces serine, which is neutral and polar, with proline, which is neutral and non-polar, at codon 215 of the POMT2 protein (p.Ser215Pro). This variant is not present in population databases (gnomAD no frequency). This variant has not been reported in the literature in individuals affected with POMT2-related conditions. ClinVar contains an entry for this variant (Variation ID: 197796). Advanced modeling of protein sequence and biophysical properties (such as structural, functional, and spatial information, amino acid conservation, physicochemical variation, residue mobility, and thermodynamic stability) has been performed at Invitae for this missense variant, however the output from this modeling did not meet the statistical confidence thresholds required to predict the impact of this variant on POMT2 protein function. In summary, the available evidence is currently insufficient to determine the role of this variant in disease. Therefore, it has been classified as a Variant of Uncertain Significance.

Eurofins Ntd Llc (ga)
Classification: Uncertain significance. Last evaluated: 2015-05-21. Review status: criteria provided, single submitter. Criteria: EGL Classification Definitions 2015. Collection method: clinical testing. Allele origin: germline. Observed: 2 variant alleles, 2 heterozygotes.

NM_013382.7(POMT2):c.643T>C (p.Ser215Pro)

Gene: POMT2 (protein O-mannosyltransferase 2; minus strand). Cytogenetic location: 14q24.3.
Variant type: single nucleotide variant.
Coding change: c.643T>C on transcript NM_013382.7 (MANE Select); coding-DNA position 643, T replaced by C.
Protein change: p.Ser215Pro; replaces serine 215 with proline.
Molecular consequence: missense variant.
Genome position (GRCh38, 1-based): chr14:77,302,848, A>G on the plus strand (T>C on the coding strand, the complement: POMT2 is on the minus strand). VCF-style: chr14-77302848-A-G. GRCh37 (hg19) VCF-style: chr14-77769191-A-G.
Other names: c.643T>C (NM_013382.5); short protein forms S215P.
Identifiers: ClinVar variation 197796 (VCV000197796.8), dbSNP rs794727722, ClinGen allele CA246126.